The following is an entry in ClinVar:

ClinVar aggregate classification (germline): Conflicting classifications of pathogenicity. Review status: criteria provided, conflicting classifications (1 of 4 stars). 9 submissions from 8 submitters: Uncertain significance (1); Benign (4); Likely benign (2). 2 of the submissions do not count toward it. Last evaluated 2026-06-01.

Conditions:
Retinitis pigmentosa (RP). Identifiers: Orphanet 791, MedGen C0035334, MeSH D012174, MONDO:0019200, OMIM 268000. Inheritance: Autosomal dominant, autosomal recessive and X linked inheritance.
Congenital stationary night blindness autosomal dominant 2. Also called: NIGHT BLINDNESS, CONGENITAL STATIONARY, RAMBUSCH TYPE. Identifiers: Orphanet 215, MedGen C1876182, MONDO:0008099, OMIM 163500.

Allele frequency attached by ClinVar (database versions not stated): 1000 Genomes Project 30x 0.00141; TOPMed 0.00397; 1000 Genomes Project 0.00140; ESP Exome Variant Server 0.00423; gnomAD 0.00577.
gnomAD v4.1: 10,829 of 1,613,658 alleles (0.67%); highest among the groups gnomAD compares: Non-Finnish European, 0.76%; 65 homozygotes.

Submissions (9):

CeGaT Center for Human Genetics Tuebingen
Classification: Likely benign. Last evaluated: 2026-06-01. Review status: criteria provided, single submitter. Criteria: CeGaT Center For Human Genetics Tuebingen Variant Classification Criteria Version 2. Collection method: clinical testing. Allele origin: germline. Affected: yes. Observed: 6 variant alleles.
Comment: PDE6B: BP4, BP7, BS2

Labcorp Genetics (formerly Invitae), Labcorp
Classification: Benign. Last evaluated: 2026-01-26. Review status: criteria provided, single submitter. Criteria: Invitae Variant Classification Sherloc (09022015). Collection method: clinical testing. Allele origin: germline.

Blueprint Genetics
Classification: Likely benign. Last evaluated: 2024-11-18. Review status: criteria provided, single submitter. Criteria: ACMG Guidelines, 2015. Collection method: clinical testing. Allele origin: germline.

Illumina Laboratory Services, Illumina
Classification: Uncertain significance for Retinitis pigmentosa. Last evaluated: 2018-01-12. Review status: criteria provided, single submitter. Criteria: ICSL Variant Classification Criteria 13 December 2019. Collection method: clinical testing. Allele origin: germline.

Illumina Laboratory Services, Illumina
Classification: Benign for Congenital stationary night blindness autosomal dominant 2. Last evaluated: 2018-01-12. Review status: criteria provided, single submitter. Criteria: ICSL Variant Classification Criteria 13 December 2019. Collection method: clinical testing. Allele origin: germline.
Comment: This variant was observed in the ICSL laboratory as part of a predisposition screen in an ostensibly healthy population. It had not been previously curated by ICSL or reported in the Human Gene Mutation Database (HGMD: prior to June 1st, 2018), and was therefore a candidate for classification through an automated scoring system. Utilizing variant allele frequency, disease prevalence and penetrance estimates, and inheritance mode, an automated score was calculated to assess if this variant is too frequent to cause the disease. Based on the score and internal cut-off values, a variant classified as benign is not then subjected to further curation. The score for this variant resulted in a classification of benign for this disease.

GeneDx
Classification: Benign. Last evaluated: 2015-03-03. Review status: criteria provided, single submitter. Criteria: GeneDx Variant Classification Process June 2021. Collection method: clinical testing. Allele origin: germline. Affected: yes.

Eurofins Ntd Llc (ga)
Classification: Benign. Last evaluated: 2013-10-02. Review status: criteria provided, single submitter. Criteria: EGL Classification Definitions 2015. Collection method: clinical testing. Allele origin: germline. Observed: 1 variant allele, 1 heterozygote.

Clinical Genetics DNA and cytogenetics Diagnostics Lab, Erasmus MC, Erasmus Medical Center
Classification: Likely benign. Review status: no assertion criteria provided. Collection method: clinical testing. Allele origin: germline. Affected: yes. Study: VKGL Data-share Consensus. Not counted in ClinVar's aggregate classification.

Clinical Genetics, Academic Medical Center
Classification: Benign. Review status: no assertion criteria provided. Collection method: clinical testing. Allele origin: germline. Affected: yes. Study: VKGL Data-share Consensus. Not counted in ClinVar's aggregate classification.

NM_000283.4(PDE6B):c.615C>T (p.Asp205=)

Gene: PDE6B (phosphodiesterase 6B; plus strand). Cytogenetic location: 4p16.3.
Variant type: single nucleotide variant.
Coding change: c.615C>T on transcript NM_000283.4 (MANE Select); coding-DNA position 615, C replaced by T.
Protein change: p.Asp205=; no amino-acid change (aspartic acid 205 retained).
Molecular consequence: synonymous variant.
Genome position (GRCh38, 1-based): chr4:634,823, C>T. VCF-style: chr4-634823-C-T. GRCh37 (hg19) VCF-style: chr4-628612-C-T.
Other names: c.615C>T, p.Asp205= (NM_001145291.2).
Identifiers: ClinVar variation 92768 (VCV000092768.47), dbSNP rs149293844, ClinGen allele CA145991.